The following is an entry in ClinVar:

NC_000023.10:g.(?_31341695)_(31341795_?)del

Gene: DMD (dystrophin; minus strand). Cytogenetic location: Xp21.2.
Variant type: Deletion.
Identifiers: ClinVar variation 1459100 (VCV001459100.8).

ClinVar aggregate classification (germline): Pathogenic (1 of 4 stars; one submission).

Conditions:
Duchenne muscular dystrophy (DMD). Also called: Duchenne Muscular Dystrophy (DMD); MUSCULAR DYSTROPHY, PSEUDOHYPERTROPHIC PROGRESSIVE, DUCHENNE TYPE. Identifiers: Orphanet 98896, MedGen C0013264, MONDO:0010679, OMIM 310200.

Submission:

Labcorp Genetics (formerly Invitae), Labcorp
Classification: Pathogenic for Duchenne muscular dystrophy. Last evaluated: 2023-11-20. Review status: criteria provided, single submitter. Criteria: Invitae Variant Classification Sherloc (09022015). Collection method: clinical testing. Allele origin: germline.
Comment: This variant is a gross deletion of the genomic region encompassing exon(s) 62 of the DMD gene. This deletion is out-of-frame, and is expected to create a premature termination codon and result in an absent or disrupted protein product. Loss-of-function variants in DMD are known to be pathogenic (PMID: 16770791, 25007885). A similar copy number variant has been observed in individual(s) with Duchenne muscular dystrophy (PMID: 19602481). For these reasons, this variant has been classified as Pathogenic.

Literature cited by the submitters: PubMed 16770791; PubMed 25007885; PubMed 19602481.